The following is an entry in ClinVar:

ClinVar aggregate classification (germline): Uncertain significance (1 of 4 stars; one submission).

Conditions:
Spinocerebellar ataxia type 19/22 (SCA19). Also called: SPINOCEREBELLAR ATAXIA 19; SPINOCEREBELLAR ATAXIA 22. Identifiers: Orphanet 98772, MedGen C1846367, MONDO:0011819, OMIM 607346.

Allele frequency attached by ClinVar (database versions not stated): TOPMed 0.00001.

Submission:

Labcorp Genetics (formerly Invitae), Labcorp
Classification: Uncertain significance for Spinocerebellar ataxia type 19/22. Last evaluated: 2021-09-06. Review status: criteria provided, single submitter. Criteria: Invitae Variant Classification Sherloc (09022015). Collection method: clinical testing. Allele origin: germline.
Comment: In summary, the available evidence is currently insufficient to determine the role of this variant in disease. Therefore, it has been classified as a Variant of Uncertain Significance. Algorithms developed to predict the effect of missense changes on protein structure and function are either unavailable or do not agree on the potential impact of this missense change (SIFT: "Tolerated"; PolyPhen-2: "Possibly Damaging"; Align-GVGD: "Class C0"). This variant has not been reported in the literature in individuals affected with KCND3-related conditions. This variant is not present in population databases (ExAC no frequency). This sequence change replaces serine with cysteine at codon 629 of the KCND3 protein (p.Ser629Cys). The serine residue is weakly conserved and there is a moderate physicochemical difference between serine and cysteine.

NM_001378969.1(KCND3):c.1885A>T (p.Ser629Cys)

Gene: KCND3 (potassium voltage-gated channel subfamily D member 3; minus strand). Cytogenetic location: 1p13.2.
Variant type: single nucleotide variant.
Coding change: c.1885A>T on transcript NM_001378969.1 (MANE Select); coding-DNA position 1885, A replaced by T.
Protein change: p.Ser629Cys; replaces serine 629 with cysteine.
Molecular consequence: missense variant.
Genome position (GRCh38, 1-based): chr1:111,776,160, T>A on the plus strand (A>T on the coding strand, the complement: KCND3 is on the minus strand). VCF-style: chr1-111776160-T-A. GRCh37 (hg19) VCF-style: chr1-112318782-T-A.
Other names: c.1828A>T, p.Ser610Cys (NM_001378970.1, NM_172198.3); c.1885A>T, p.Ser629Cys (NM_004980.5); short protein forms S629C, S610C.
Identifiers: ClinVar variation 1490888 (VCV001490888.6), dbSNP rs1435444967, ClinGen allele CA341655243.